The following is an entry in ClinVar:

ClinVar aggregate classification (germline): Pathogenic (1 of 4 stars; one submission).

Conditions:
Familial cancer of breast. Also called: BREAST CANCER, FAMILIAL; Hereditary breast cancer; hereditary breast carcinoma. Identifiers: Orphanet 227535, MedGen C0346153, MONDO:0016419, OMIM 114480. Disease mechanism: loss of function.

Submission:

Labcorp Genetics (formerly Invitae), Labcorp
Classification: Pathogenic for Familial cancer of breast. Last evaluated: 2023-07-07. Review status: criteria provided, single submitter. Criteria: Invitae Variant Classification Sherloc (09022015). Collection method: clinical testing. Allele origin: unknown.
Comment: For these reasons, this variant has been classified as Pathogenic. This variant disrupts a region of the CHEK2 protein in which other variant(s) (p.Tyr390Ser) have been determined to be pathogenic (PMID: 22114986, 25503501, 30851065, 33925588, 34903604; Invitae). This suggests that this is a clinically significant region of the protein, and that variants that disrupt it are likely to be disease-causing. This variant disrupts the serine/threonine kinase domain of the CHEK2 protein, which is essential for protein function (PMID: 30264118, 31843900, 29785007). While functional studies have not been performed to directly test the effect of this variant on CHEK2 protein function, this suggests that disruption of this region of the protein is causative of disease. This variant has not been reported in the literature in individuals affected with CHEK2-related conditions. This variant is a gross deletion of the genomic region encompassing exon(s) 8-14 of the CHEK2 gene. While this deletion is not anticipated to lead to nonsense mediated decay, it is expected to disrupt the C-terminus of the protein.

Literature cited by the submitters: PubMed 22114986; PubMed 25503501; PubMed 30851065; PubMed 33925588; PubMed 34903604; PubMed 30264118; PubMed 31843900; PubMed 29785007.

NC_000022.10:g.(?_29085113)_(29099564_?)del

Gene: CHEK2 (checkpoint kinase 2; minus strand). Cytogenetic location: 22q12.1.
Variant type: Deletion.
Identifiers: ClinVar variation 3247491 (VCV003247491.1).